The following is an entry in ClinVar:

NM_006060.6(IKZF1):c.523T>C (p.Cys175Arg)

Gene: IKZF1 (IKAROS family zinc finger 1; plus strand). Cytogenetic location: 7p12.2.
Variant type: single nucleotide variant.
Coding change: c.523T>C on transcript NM_006060.6 (MANE Select); coding-DNA position 523, T replaced by C.
Protein change: p.Cys175Arg; replaces cysteine 175 with arginine.
Molecular consequence: missense variant. On other transcripts: intron variant (6).
Genome position (GRCh38, 1-based): chr7:50,382,641, T>C. VCF-style: chr7-50382641-T-C. GRCh37 (hg19) VCF-style: chr7-50450339-T-C.
Other names: c.421+5848T>C (NM_001220771.2); c.161-4704T>C (NM_001291841.1, NM_001291842.1); c.161-9088T>C (NM_001291843.1, NM_001291844.1); c.161-17277T>C (NM_001291840.1); c.523T>C, p.Cys175Arg (NM_001220765.3, NM_001220768.2, NM_001291837.2); c.262T>C, p.Cys88Arg (NM_001220767.2, NM_001220770.2, NM_001291838.2 and 1 more transcripts); c.583T>C, p.Cys195Arg (NM_001410879.1); short protein forms C175R, C88R, C195R.
Identifiers: ClinVar variation 3660111 (VCV003660111.2).

ClinVar aggregate classification (germline): Uncertain significance (1 of 4 stars; one submission).

Submission:

Labcorp Genetics (formerly Invitae), Labcorp
Classification: Uncertain significance. Last evaluated: 2024-12-24. Review status: criteria provided, single submitter. Criteria: Invitae Variant Classification Sherloc (09022015). Collection method: clinical testing. Allele origin: germline.
Comment: This sequence change replaces cysteine, which is neutral and slightly polar, with arginine, which is basic and polar, at codon 175 of the IKZF1 protein (p.Cys175Arg). This variant is not present in population databases (gnomAD no frequency). This variant has not been reported in the literature in individuals affected with IKZF1-related conditions. An algorithm developed to predict the effect of missense changes on protein structure and function (PolyPhen-2) suggests that this variant is likely to be disruptive. In summary, the available evidence is currently insufficient to determine the role of this variant in disease. Therefore, it has been classified as a Variant of Uncertain Significance.